The following is an entry in ClinVar:

NM_022788.5(P2RY12):c.160C>T (p.Arg54Trp)

Genes: MED12L (mediator complex subunit 12L; plus strand), P2RY12 (purinergic receptor P2Y12; minus strand). Cytogenetic location: 3q25.1.
Variant type: single nucleotide variant.
Coding change: c.160C>T on transcript NM_022788.5 (MANE Select); coding-DNA position 160, C replaced by T.
Protein change: p.Arg54Trp; replaces arginine 54 with tryptophan.
Molecular consequence: missense variant. On other transcripts: intron variant (2).
Genome position (GRCh38, 1-based): chr3:151,338,686, G>A on the plus strand (C>T on the coding strand, the complement: P2RY12 is on the minus strand). VCF-style: chr3-151338686-G-A. GRCh37 (hg19) VCF-style: chr3-151056474-G-A.
Other names: c.160C>T, p.Arg54Trp (NM_176876.3); c.2251-11373G>A (NM_001393769.1); c.2146-11373G>A (NM_053002.6); short protein forms R54W.
Identifiers: ClinVar variation 2434536 (VCV002434536.6), dbSNP rs192284069, ClinGen allele CA2667900.

ClinVar aggregate classification (germline): Uncertain significance. Review status: criteria provided, multiple submitters, no conflicts (2 of 4 stars). 2 submissions from 2 submitters: Uncertain significance (2). Last evaluated 2025-12-08.

Conditions:
Platelet-type bleeding disorder 8 (BDPLT8). Also called: Bleeding disorder due to p2rx1 defect, somatic; BLEEDING DISORDER DUE TO P2RY12 DEFECT. Identifiers: Orphanet 36355, MedGen C1853278, MONDO:0012354, OMIM 609821.

Allele frequency attached by ClinVar (database versions not stated): gnomAD 0.00009; ExAC 0.00019; 1000 Genomes Project 30x 0.00078; TOPMed 0.00005; gnomAD exomes 0.00009; 1000 Genomes Project 0.00100.
gnomAD v4.1: 152 of 1,613,520 alleles (0.0094%); highest among the groups gnomAD compares: South Asian, 0.11%; 1 homozygote.

Submissions (2):

Labcorp Genetics (formerly Invitae), Labcorp
Classification: Uncertain significance. Last evaluated: 2025-12-08. Review status: criteria provided, single submitter. Criteria: Invitae Variant Classification Sherloc (09022015). Collection method: clinical testing. Allele origin: germline.
Comment: This sequence change replaces arginine, which is basic and polar, with tryptophan, which is neutral and slightly polar, at codon 54 of the P2RY12 protein (p.Arg54Trp). This variant is present in population databases (rs192284069, gnomAD 0.09%). This variant has not been reported in the literature in individuals affected with P2RY12-related conditions. ClinVar contains an entry for this variant (Variation ID: 2434536). An algorithm developed to predict the effect of missense changes on protein structure and function (PolyPhen-2) suggests that this variant is likely to be disruptive. In summary, the available evidence is currently insufficient to determine the role of this variant in disease. Therefore, it has been classified as a Variant of Uncertain Significance.

Revvity Omics, Revvity
Classification: Uncertain significance for Platelet-type bleeding disorder 8. Last evaluated: 2021-05-09. Review status: criteria provided, single submitter. Criteria: ACMG Guidelines, 2015. Collection method: clinical testing. Allele origin: germline.